The following is an entry in ClinVar:

ClinVar aggregate classification (germline): Uncertain significance (1 of 4 stars; one submission).

Allele frequency attached by ClinVar (database versions not stated): ExAC 0.00001; gnomAD 0.00001; TOPMed 0.00001.
gnomAD v4.1: 1 of 1,613,874 alleles (0.000062%); highest among the groups gnomAD compares: African/African-American, 0.0013%; no homozygotes.

Submission:

Ambry Genetics
Classification: Uncertain significance. Last evaluated: 2021-12-12. Review status: criteria provided, single submitter. Criteria: Ambry Variant Classification Scheme 2023. Collection method: clinical testing. Allele origin: germline.
Comment: The p.K251R variant (also known as c.752A>G), located in coding exon 2 of the TERF2IP gene, results from an A to G substitution at nucleotide position 752. The lysine at codon 251 is replaced by arginine, an amino acid with highly similar properties. This amino acid position is conserved. In addition, this alteration is predicted to be tolerated by in silico analysis. Since supporting evidence is limited at this time, the clinical significance of this alteration remains unclear.

NM_018975.4(TERF2IP):c.752A>G (p.Lys251Arg)

Gene: TERF2IP (TERF2 interacting protein; plus strand). Cytogenetic location: 16q23.1.
Variant type: single nucleotide variant.
Coding change: c.752A>G on transcript NM_018975.4 (MANE Select); coding-DNA position 752, A replaced by G.
Protein change: p.Lys251Arg; replaces lysine 251 with arginine.
Molecular consequence: missense variant. On other transcripts: non-coding transcript variant (1).
Genome position (GRCh38, 1-based): chr16:75,654,354, A>G. VCF-style: chr16-75654354-A-G. GRCh37 (hg19) VCF-style: chr16-75688252-A-G.
Other names: short protein forms K251R.
Identifiers: ClinVar variation 1759359 (VCV001759359.2), dbSNP rs750961373, ClinGen allele CA8178070.